The following is an entry in ClinVar:

NM_001267550.2(TTN):c.15318T>C (p.Ile5106=)

Gene: TTN (titin; minus strand). Cytogenetic location: 2q31.2.
Variant type: single nucleotide variant.
Coding change: c.15318T>C on transcript NM_001267550.2 (MANE Select); coding-DNA position 15318, T replaced by C.
Protein change: p.Ile5106=; no amino-acid change (isoleucine 5106 retained).
Molecular consequence: synonymous variant. On other transcripts: intron variant (3).
Genome position (GRCh38, 1-based): chr2:178,734,506, A>G on the plus strand (T>C on the coding strand, the complement: TTN is on the minus strand). VCF-style: chr2-178734506-A-G. GRCh37 (hg19) VCF-style: chr2-179599233-A-G.
Other names: c.14367T>C, p.Ile4789= (NM_001256850.1); c.11586T>C, p.Ile3862= (NM_133378.4); c.13282+3576T>C (NM_003319.4); c.13858+3576T>C (NM_133437.4); c.13657+3576T>C (NM_133432.3).
Identifiers: ClinVar variation 618455 (VCV000618455.12), dbSNP rs537358981, ClinGen allele CA2002245.

ClinVar aggregate classification (germline): Likely benign. Review status: criteria provided, multiple submitters, no conflicts (2 of 4 stars). 3 submissions from 3 submitters: Likely benign (2). 1 of the submissions does not count toward it. Last evaluated 2025-09-29.

Conditions:
TTN-related disorder. Also called: TTN-related disorders; TTN-related condition; TTN-related disease.

Allele frequency attached by ClinVar (database versions not stated): TOPMed below 0.00001; gnomAD 0.00001; gnomAD exomes 0.00001; ExAC 0.00003; 1000 Genomes Project 0.00040; 1000 Genomes Project 30x 0.00047.
gnomAD v4.1: 8 of 1,613,730 alleles (0.0005%); highest among the groups gnomAD compares: South Asian, 0.0011%; no homozygotes.

Submissions (3):

Women's Health and Genetics/Laboratory Corporation of America, LabCorp
Classification: Likely benign. Last evaluated: 2025-09-29. Review status: criteria provided, single submitter. Criteria: LabCorp Variant Classification Summary - May 2015. Collection method: clinical testing. Allele origin: germline.

ARUP Laboratories, Molecular Genetics and Genomics, ARUP Laboratories
Classification: Likely benign. Last evaluated: 2018-03-25. Review status: criteria provided, single submitter. Criteria: ARUP Molecular Germline Variant Investigation Process. Collection method: clinical testing. Allele origin: germline.
Comment: The c.11586T>C; p.Ile3862Ile variant does not alter the amino acid sequence of the TTN protein and computational splice site prediction algorithms do not predict a change in the nearest splice site or creation of a cryptic splice site. This variant is listed in the genome Aggregation Database (gnomAD) with a South Asian population frequency of 0.006% (identified on 2 out of 30,750 chromosomes), and evidence suggests that the vast majority of rare non-truncating TTN variants do not contribute to the clinical outcome of DCM (Begay 2015). Given the available evidence, the c.11586T>C variant is likely to be benign.

PreventionGenetics, part of Exact Sciences
Classification: Likely benign for TTN-related condition. Last evaluated: 2019-03-22. Review status: no assertion criteria provided. Collection method: clinical testing. Allele origin: germline. Not counted in ClinVar's aggregate classification.
Comment: This variant is classified as likely benign based on ACMG/AMP sequence variant interpretation guidelines (Richards et al. 2015 PMID: 25741868, with internal and published modifications).